The following is an entry in ClinVar:

NM_005609.4(PYGM):c.2057G>A (p.Gly686Glu)

Gene: PYGM (glycogen phosphorylase, muscle associated; minus strand). Cytogenetic location: 11q13.1.
Variant type: single nucleotide variant.
Coding change: c.2057G>A on transcript NM_005609.4 (MANE Select); coding-DNA position 2057, G replaced by A.
Protein change: p.Gly686Glu; replaces glycine 686 with glutamic acid.
Molecular consequence: missense variant.
Genome position (GRCh38, 1-based): chr11:64,750,496, C>T on the plus strand (G>A on the coding strand, the complement: PYGM is on the minus strand). VCF-style: chr11-64750496-C-T. GRCh37 (hg19) VCF-style: chr11-64517968-C-T.
Other names: c.1793G>A, p.Gly598Glu (NM_001164716.1); short protein forms G686E, G598E.
Identifiers: ClinVar variation 2847782 (VCV002847782.3), dbSNP rs2496648421, ClinGen allele CA381167970.
Genomic context (GRCh38, chr11:64,750,496, plus strand): 5'-TCTCCCGCCTCTTCTGCCATCTCCACATTGGCCCCGTCCATGGTGCCAATGGTCAGAGCC[C>T]CGTTGAGCATGAACTTCATGTTGCCGGTGCCTGAGGCTTCAGTGCCCGCAGTGGAGATCT-3'
Protein context (NP_005600.1, residues 676-696): GTGNMKFMLN[Gly686Glu]ALTIGTMDGA

ClinVar aggregate classification (germline): Likely pathogenic (1 of 4 stars; one submission).

Conditions:
Glycogen storage disease, type V (GSD5). Also called: McArdle type glycogen storage disease; MCARDLE DISEASE; MUSCLE GLYCOGEN PHOSPHORYLASE DEFICIENCY; MYOPHOSPHORYLASE DEFICIENCY; PYGM DEFICIENCY. Identifiers: Orphanet 368, MedGen C0017924, MONDO:0009293, OMIM 232600.

Submission:

Labcorp Genetics (formerly Invitae), Labcorp
Classification: Likely pathogenic for Glycogen storage disease, type V. Last evaluated: 2023-09-27. Review status: criteria provided, single submitter. Criteria: Invitae Variant Classification Sherloc (09022015). Collection method: clinical testing. Allele origin: germline.
Comment: This variant disrupts the p.Gly686 amino acid residue in PYGM. Other variant(s) that disrupt this residue have been determined to be pathogenic (PMID: 9506549, 17404776). This suggests that this residue is clinically significant, and that variants that disrupt this residue are likely to be disease-causing. In summary, the currently available evidence indicates that the variant is pathogenic, but additional data are needed to prove that conclusively. Therefore, this variant has been classified as Likely Pathogenic. This sequence change replaces glycine, which is neutral and non-polar, with glutamic acid, which is acidic and polar, at codon 686 of the PYGM protein (p.Gly686Glu). This variant is not present in population databases (gnomAD no frequency). This variant has not been reported in the literature in individuals affected with PYGM-related conditions. Advanced modeling of protein sequence and biophysical properties (such as structural, functional, and spatial information, amino acid conservation, physicochemical variation, residue mobility, and thermodynamic stability) performed at Invitae indicates that this missense variant is expected to disrupt PYGM protein function.

Literature cited by the submitters: PubMed 9506549; PubMed 17404776.